The following is an entry in ClinVar:

ClinVar aggregate classification (germline): Uncertain significance (1 of 4 stars; one submission).

Conditions:
Cardiovascular phenotype. Identifiers: MedGen CN230736.

Submission:

Ambry Genetics
Classification: Uncertain significance for Cardiovascular phenotype. Last evaluated: 2023-12-06. Review status: criteria provided, single submitter. Criteria: Ambry Variant Classification Scheme 2023. Collection method: clinical testing. Allele origin: germline.
Comment: The p.K4650T variant (also known as c.13949A>C), located in coding exon 96 of the RYR2 gene, results from an A to C substitution at nucleotide position 13949. The lysine at codon 4650 is replaced by threonine, an amino acid with similar properties. This amino acid position is highly conserved in available vertebrate species. In addition, this alteration is predicted to be deleterious by in silico analysis. Since supporting evidence is limited at this time, the clinical significance of this alteration remains unclear.

NM_001035.3(RYR2):c.13949A>C (p.Lys4650Thr)

Gene: RYR2 (ryanodine receptor 2; plus strand). Cytogenetic location: 1q43.
Variant type: single nucleotide variant.
Coding change: c.13949A>C on transcript NM_001035.3 (MANE Select); coding-DNA position 13949, A replaced by C.
Protein change: p.Lys4650Thr; replaces lysine 4650 with threonine.
Molecular consequence: missense variant.
Genome position (GRCh38, 1-based): chr1:237,795,324, A>C. VCF-style: chr1-237795324-A-C. GRCh37 (hg19) VCF-style: chr1-237958624-A-C.
Other names: short protein forms K4650T.
Identifiers: ClinVar variation 3232386 (VCV003232386.1), dbSNP rs2527969678, ClinGen allele CA345418648.